The following is an entry in ClinVar:

NM_001080453.3(INTS1):c.-207A>G

Genes: INTS1 (integrator complex subunit 1; minus strand), LOC129997774 (ATAC-STARR-seq lymphoblastoid silent region 17854; plus strand). Cytogenetic location: 7p22.3.
Variant type: single nucleotide variant.
Coding change: c.-207A>G on transcript NM_001080453.3 (MANE Select); 207 bases upstream of the start codon, A replaced by G.
Genome position (GRCh38, 1-based): chr7:1,504,488, T>C on the plus strand (A>G on the coding strand, the complement: INTS1 is on the minus strand). VCF-style: chr7-1504488-T-C. GRCh37 (hg19) VCF-style: chr7-1544124-T-C.
Identifiers: ClinVar variation 4887317 (VCV004887317.1).

ClinVar aggregate classification (germline): Uncertain significance (1 of 4 stars; one submission).

Submission:

Women's Health and Genetics/Laboratory Corporation of America, LabCorp
Classification: Uncertain significance. Last evaluated: 2026-06-12. Review status: criteria provided, single submitter. Criteria: LabCorp Variant Classification Summary - May 2015. Collection method: clinical testing. Allele origin: germline.
Comment: Variant summary: INTS1 c.-207A>G is located in the untranscribed region upstream of the INTS1 gene region. The frequency of this variant in the general population could not be determined as the technology used for large population databases (ExAC, gnomAD, ESP, 1000G) cannot detect variants of this type. The available data on variant occurrences in the general population are insufficient to allow any conclusion about variant significance. To our knowledge, no occurrence of c.-207A>G in individuals affected with INTS1-related conditions and no experimental evidence demonstrating its impact on protein function have been reported. No submitters have cited clinical-significance assessments for this variant to ClinVar. Based on the evidence outlined above, the variant was classified as uncertain significance.